The following is an entry in ClinVar:

NM_000213.5(ITGB4):c.913C>T (p.Pro305Ser)

Gene: ITGB4 (integrin subunit beta 4; plus strand). Cytogenetic location: 17q25.1.
Variant type: single nucleotide variant.
Coding change: c.913C>T on transcript NM_000213.5 (MANE Select); coding-DNA position 913, C replaced by T.
Protein change: p.Pro305Ser; replaces proline 305 with serine.
Molecular consequence: missense variant.
Genome position (GRCh38, 1-based): chr17:75,730,415, C>T. VCF-style: chr17-75730415-C-T. GRCh37 (hg19) VCF-style: chr17-73726496-C-T.
Other names: c.913C>T, p.Pro305Ser (NM_001005619.2, NM_001005731.3, NM_001321123.2); short protein forms P305S.
Identifiers: ClinVar variation 2098527 (VCV002098527.4), dbSNP rs2545737203, ClinGen allele CA401042782.

ClinVar aggregate classification (germline): Uncertain significance (1 of 4 stars; one submission).

Submission:

Labcorp Genetics (formerly Invitae), Labcorp
Classification: Uncertain significance. Last evaluated: 2025-06-12. Review status: criteria provided, single submitter. Criteria: Invitae Variant Classification Sherloc (09022015). Collection method: clinical testing. Allele origin: germline.
Comment: This sequence change replaces proline, which is neutral and non-polar, with serine, which is neutral and polar, at codon 305 of the ITGB4 protein (p.Pro305Ser). This variant is not present in population databases (gnomAD no frequency). This variant has not been reported in the literature in individuals affected with ITGB4-related conditions. ClinVar contains an entry for this variant (Variation ID: 2098527). Invitae Evidence Modeling of protein sequence and biophysical properties (such as structural, functional, and spatial information, amino acid conservation, physicochemical variation, residue mobility, and thermodynamic stability) has been performed for this missense variant. However, the output from this modeling did not meet the statistical confidence thresholds required to predict the impact of this variant on ITGB4 protein function. In summary, the available evidence is currently insufficient to determine the role of this variant in disease. Therefore, it has been classified as a Variant of Uncertain Significance.